The following is an entry in ClinVar:

ClinVar aggregate classification (germline): Uncertain significance. Review status: criteria provided, multiple submitters, no conflicts (2 of 4 stars). 2 submissions from 2 submitters: Uncertain significance (2). Last evaluated 2023-07-05.

Conditions:
Cone-rod dystrophy 13 (CORD13). Identifiers: Orphanet 1872, MedGen C2750720, MONDO:0011987, OMIM 608194.
Leber congenital amaurosis 6 (LCA6). Identifiers: Orphanet 65, MedGen C1854260, MONDO:0013446, OMIM 613826.

Allele frequency attached by ClinVar (database versions not stated): gnomAD 0.00002; ExAC 0.00004.
gnomAD v4.1: 26 of 1,613,444 alleles (0.0016%); highest among the groups gnomAD compares: South Asian, 0.0099%; no homozygotes.

Submissions (2):

Blueprint Genetics
Classification: Uncertain significance. Last evaluated: 2023-07-05. Review status: criteria provided, single submitter. Criteria: ACMG Guidelines, 2015. Collection method: clinical testing. Allele origin: germline.

Labcorp Genetics (formerly Invitae), Labcorp
Classification: Uncertain significance for Leber congenital amaurosis 6; Cone-rod dystrophy 13. Last evaluated: 2022-10-25. Review status: criteria provided, single submitter. Criteria: Invitae Variant Classification Sherloc (09022015). Collection method: clinical testing. Allele origin: germline.
Comment: In summary, the available evidence is currently insufficient to determine the role of this variant in disease. Therefore, it has been classified as a Variant of Uncertain Significance. Advanced modeling of protein sequence and biophysical properties (such as structural, functional, and spatial information, amino acid conservation, physicochemical variation, residue mobility, and thermodynamic stability) performed at Invitae indicates that this missense variant is not expected to disrupt RPGRIP1 protein function. This variant has not been reported in the literature in individuals affected with RPGRIP1-related conditions. This variant is present in population databases (rs754461580, gnomAD 0.02%). This sequence change replaces arginine, which is basic and polar, with histidine, which is basic and polar, at codon 755 of the RPGRIP1 protein (p.Arg755His).

NM_020366.4(RPGRIP1):c.2264G>A (p.Arg755His)

Gene: RPGRIP1 (RPGR interacting protein 1; plus strand). Cytogenetic location: 14q11.2.
Variant type: single nucleotide variant.
Coding change: c.2264G>A on transcript NM_020366.4 (MANE Select); coding-DNA position 2264, G replaced by A.
Protein change: p.Arg755His; replaces arginine 755 with histidine.
Molecular consequence: missense variant. On other transcripts: intron variant (4).
Genome position (GRCh38, 1-based): chr14:21,325,280, G>A. VCF-style: chr14-21325280-G-A. GRCh37 (hg19) VCF-style: chr14-21793439-G-A.
Other names: c.1190G>A, p.Arg397His (NM_001377948.1); c.796+555G>A (NM_001377949.1); c.689-2343G>A (NM_001377523.1, NM_001377950.1); c.191-2343G>A (NM_001377951.1); short protein forms R397H, R755H.
Identifiers: ClinVar variation 2157895 (VCV002157895.4), dbSNP rs754461580, ClinGen allele CA7089203.
Genomic context (GRCh38, chr14:21,325,280, plus strand): 5'-TCTGCTACCCAGGAGCTGGTGGAGAAGAGTTCGGGGTTCTAGAGTACTGGATGAGGCTGC[G>A]TTTCCCCATAAAACCCAGCCTACAGGCGTGCAATAAACGAAAGAAAGCCCAGGTCTACCT-3'
Protein context (NP_065099.3, residues 745-765): FGVLEYWMRL[Arg755His]FPIKPSLQAC